The following is an entry in ClinVar:

ClinVar aggregate classification (germline): Uncertain significance (1 of 4 stars; one submission).

Conditions:
Majeed syndrome (MJDS). Also called: CHRONIC RECURRENT MULTIFOCAL OSTEOMYELITIS 1, WITH CONGENITAL DYSERYTHROPOIETIC ANEMIA, WITH OR WITHOUT NEUTROPHILIC DERMATOSIS; LPIN2-Related Majeed Syndrome. Identifiers: Orphanet 77297, MedGen C1864997, MONDO:0012316, OMIM 609628.

Submission:

Labcorp Genetics (formerly Invitae), Labcorp
Classification: Uncertain significance for Majeed syndrome. Last evaluated: 2021-08-11. Review status: criteria provided, single submitter. Criteria: Invitae Variant Classification Sherloc (09022015). Collection method: clinical testing. Allele origin: germline.
Comment: In summary, the available evidence is currently insufficient to determine the role of this variant in disease. Therefore, it has been classified as a Variant of Uncertain Significance. Algorithms developed to predict the effect of missense changes on protein structure and function are either unavailable or do not agree on the potential impact of this missense change (SIFT: "Tolerated"; PolyPhen-2: "Probably Damaging"; Align-GVGD: "Class C0"). This variant has not been reported in the literature in individuals affected with LPIN2-related conditions. This variant is not present in population databases (ExAC no frequency). This sequence change replaces glycine with serine at codon 81 of the LPIN2 protein (p.Gly81Ser). The glycine residue is highly conserved and there is a small physicochemical difference between glycine and serine.

NM_001375808.2(LPIN2):c.241G>A (p.Gly81Ser)

Gene: LPIN2 (lipin 2; minus strand). Cytogenetic location: 18p11.31.
Variant type: single nucleotide variant.
Coding change: c.241G>A on transcript NM_001375808.2 (MANE Select); coding-DNA position 241, G replaced by A.
Protein change: p.Gly81Ser; replaces glycine 81 with serine.
Molecular consequence: missense variant.
Genome position (GRCh38, 1-based): chr18:2,954,551, C>T on the plus strand (G>A on the coding strand, the complement: LPIN2 is on the minus strand). VCF-style: chr18-2954551-C-T. GRCh37 (hg19) VCF-style: chr18-2954549-C-T.
Other names: c.241G>A, p.Gly81Ser (NM_001375809.1, NM_014646.2); short protein forms G81S.
Identifiers: ClinVar variation 1431594 (VCV001431594.6), dbSNP rs2143138290, ClinGen allele CA401710546.